The following is an entry in ClinVar:

NM_004415.4(DSP):c.694C>T (p.Arg232Cys)

Gene: DSP (desmoplakin; plus strand). Cytogenetic location: 6p24.3.
Variant type: single nucleotide variant.
Coding change: c.694C>T on transcript NM_004415.4 (MANE Select); coding-DNA position 694, C replaced by T.
Protein change: p.Arg232Cys; replaces arginine 232 with cysteine.
Molecular consequence: missense variant.
Genome position (GRCh38, 1-based): chr6:7,562,748, C>T. VCF-style: chr6-7562748-C-T. GRCh37 (hg19) VCF-style: chr6-7562981-C-T.
Other names: c.694C>T, p.Arg232Cys (NM_001008844.3, NM_001319034.2); short protein forms R232C.
Identifiers: ClinVar variation 1443960 (VCV001443960.10), dbSNP rs777847026, ClinGen allele CA048735.

ClinVar aggregate classification (germline): Conflicting classifications of pathogenicity. Review status: criteria provided, conflicting classifications (1 of 4 stars). 3 submissions from 3 submitters: Uncertain significance (2); Likely benign (1). Last evaluated 2025-09-01.

Conditions:
Cardiomyopathy (CMYO). Also called: Cardiomyopathies. Identifiers: Orphanet 167848, MedGen C0878544, MONDO:0004994, HP:0001638. Inheritance: Various modes of inheritance.
Arrhythmogenic cardiomyopathy with wooly hair and keratoderma. Also called: Dilated cardiomyopathy with woolly hair and keratoderma; PALMOPLANTAR KERATODERMA WITH LEFT VENTRICULAR CARDIOMYOPATHY AND WOOLLY HAIR; Carvajal syndrome; Arrhythmogenic cardiomyopathy with woolly hair and keratoderma. Identifiers: Orphanet 65282, MedGen C1854063, MONDO:0011581, OMIM 605676.
Arrhythmogenic right ventricular dysplasia 8 (ARVD8). Also called: Arrhythmogenic Right Ventricular Dysplasia/Cardiomyopathy 8; ARRHYTHMOGENIC RIGHT VENTRICULAR DYSPLASIA, FAMILIAL, 8; ARRHYTHMOGENIC RIGHT VENTRICULAR CARDIOMYOPATHY 8. Identifiers: MedGen C1843896, MONDO:0011831, OMIM 607450.
Woolly hair-skin fragility syndrome (WHSF). Identifiers: Orphanet 293165, MedGen C1843292, MONDO:0957307, OMIM 620415.
Cardiomyopathy, dilated, with wooly hair, keratoderma, and tooth agenesis. Also called: Erythrokeratodermia-cardiomyopathy syndrome; Cardiomyopathy, dilated, with woolly hair, keratoderma, and tooth agenesis. Identifiers: Orphanet 476096, Orphanet 65282, MedGen C4014393, MONDO:0014355, OMIM 615821.
Lethal acantholytic epidermolysis bullosa (EBLA). Identifiers: Orphanet 158687, MedGen C1864826, MONDO:0012323, OMIM 609638.
Keratosis palmoplantaris striata 2. Also called: KERATODERMA, PALMOPLANTAR, STRIATE FORM II; STRIATE PALMOPLANTAR KERATODERMA II; Keratosis palmoplantaris striata II. Identifiers: MedGen C1852127, MONDO:0013034, OMIM 612908.

Allele frequency attached by ClinVar (database versions not stated): ExAC 0.00001.

Submissions (3):

Color Diagnostics, LLC DBA Color Health
Classification: Uncertain significance for Cardiomyopathy. Last evaluated: 2025-09-01. Review status: criteria provided, single submitter. Criteria: ACMG Guidelines, 2015. Collection method: clinical testing. Allele origin: germline.
Comment: This missense variant replaces arginine with cysteine at codon 232 of the DSP protein. Computational prediction is inconclusive regarding the impact of this variant on protein structure and function. To our knowledge, functional studies have not been reported for this variant. This variant has not been reported in individuals affected with DSP-related disorders in the literature. This variant has been identified in 2/251430 chromosomes in the general population by the Genome Aggregation Database (gnomAD). The available evidence is insufficient to determine the role of this variant in disease conclusively. Therefore, this variant is classified as a Variant of Uncertain Significance.

Labcorp Genetics (formerly Invitae), Labcorp
Classification: Likely benign for Arrhythmogenic cardiomyopathy with wooly hair and keratoderma; Arrhythmogenic right ventricular dysplasia 8. Last evaluated: 2024-07-06. Review status: criteria provided, single submitter. Criteria: Invitae Variant Classification Sherloc (09022015). Collection method: clinical testing. Allele origin: germline.

Fulgent Genetics
Classification: Uncertain significance for Arrhythmogenic cardiomyopathy with wooly hair and keratoderma; Arrhythmogenic right ventricular dysplasia 8; Lethal acantholytic epidermolysis bullosa; Keratosis palmoplantaris striata 2; Cardiomyopathy, dilated, with wooly hair, keratoderma, and tooth agenesis. Last evaluated: 2021-07-30. Review status: criteria provided, single submitter. Criteria: ACMG Guidelines, 2015. Collection method: clinical testing. Allele origin: unknown.